The following is an entry in ClinVar:

ClinVar aggregate classification (germline): Uncertain significance (1 of 4 stars; one submission).

Conditions:
EGFR-related lung cancer (EGFR). Identifiers: MedGen CN130014.

Submission:

Labcorp Genetics (formerly Invitae), Labcorp
Classification: Uncertain significance for EGFR-related lung cancer. Last evaluated: 2022-04-08. Review status: criteria provided, single submitter. Criteria: Invitae Variant Classification Sherloc (09022015). Collection method: clinical testing. Allele origin: germline.
Comment: This variant has not been reported in the literature in individuals affected with EGFR-related conditions. In summary, the available evidence is currently insufficient to determine the role of this variant in disease. Therefore, it has been classified as a Variant of Uncertain Significance. Algorithms developed to predict the effect of missense changes on protein structure and function output the following: SIFT: "Tolerated"; PolyPhen-2: "Benign"; Align-GVGD: "Class C0". The serine amino acid residue is found in multiple mammalian species, which suggests that this missense change does not adversely affect protein function. This variant is not present in population databases (gnomAD no frequency). This sequence change replaces asparagine, which is neutral and polar, with serine, which is neutral and polar, at codon 473 of the EGFR protein (p.Asn473Ser).

NM_005228.5(EGFR):c.1418A>G (p.Asn473Ser)

Gene: EGFR (epidermal growth factor receptor; plus strand). Cytogenetic location: 7p11.2.
Variant type: single nucleotide variant.
Coding change: c.1418A>G on transcript NM_005228.5 (MANE Select); coding-DNA position 1418, A replaced by G.
Protein change: p.Asn473Ser; replaces asparagine 473 with serine.
Molecular consequence: missense variant.
Genome position (GRCh38, 1-based): chr7:55,160,258, A>G. VCF-style: chr7-55160258-A-G. GRCh37 (hg19) VCF-style: chr7-55227951-A-G.
Other names: c.1283A>G, p.Asn428Ser (NM_001346897.2, NM_001346899.2); c.1418A>G, p.Asn473Ser (NM_001346898.2, NM_201282.2, NM_201284.2); c.1259A>G, p.Asn420Ser (NM_001346900.2); c.617A>G, p.Asn206Ser (NM_001346941.2); short protein forms N206S, N420S, N428S, N473S.
Identifiers: ClinVar variation 2123100 (VCV002123100.4), dbSNP rs2128941580, ClinGen allele CA367579565.